The following is an entry in ClinVar:

NM_006231.4(POLE):c.1237A>T (p.Arg413Trp)

Gene: POLE (DNA polymerase epsilon, catalytic subunit; minus strand). Cytogenetic location: 12q24.33.
Variant type: single nucleotide variant.
Coding change: c.1237A>T on transcript NM_006231.4 (MANE Select); coding-DNA position 1237, A replaced by T.
Protein change: p.Arg413Trp; replaces arginine 413 with tryptophan.
Molecular consequence: missense variant.
Genome position (GRCh38, 1-based): chr12:132,673,697, T>A on the plus strand (A>T on the coding strand, the complement: POLE is on the minus strand). VCF-style: chr12-132673697-T-A. GRCh37 (hg19) VCF-style: chr12-133250283-T-A.
Other names: short protein forms R413W.
Identifiers: ClinVar variation 3781562 (VCV003781562.1).
Genomic context (GRCh38, chr12:132,673,697, plus strand): 5'-CTAGCTTGGCCTTGGCGGCCGCCTTGAGATTATGACTGCCCACAGGAAGGTAACTGTCCC[T>A]CTTCACCCACCTGGAAGGAGAATGAGAACAGAAGCCAGGATGATTCTAACATGCAGCCCG-3'
Protein context (NP_006222.2, residues 403-423): IHMDCLRWVK[Arg413Trp]DSYLPVGSHN

ClinVar aggregate classification (germline): Uncertain significance (1 of 4 stars; one submission).

Conditions:
Hereditary cancer-predisposing syndrome. Also called: Neoplastic Syndromes, Hereditary; Hereditary Cancer Syndrome; Tumor predisposition; Hereditary neoplastic syndrome. Identifiers: Orphanet 140162, MedGen C0027672, MeSH D009386, MONDO:0015356.

Submission:

Ambry Genetics
Classification: Uncertain significance for Hereditary cancer-predisposing syndrome. Last evaluated: 2025-01-16. Review status: criteria provided, single submitter. Criteria: Ambry Variant Classification Scheme 2023. Collection method: clinical testing. Allele origin: germline.
Comment: The p.R413W variant (also known as c.1237A>T), located in coding exon 13 of the POLE gene, results from an A to T substitution at nucleotide position 1237. The arginine at codon 413 is replaced by tryptophan, an amino acid with dissimilar properties. This amino acid position is conserved. In addition, the in silico prediction for this alteration is inconclusive. Based on the available evidence, the clinical significance of this variant remains unclear.